The following is an entry in ClinVar:

NM_003482.4(KMT2D):c.13081G>A (p.Ala4361Thr)

Gene: KMT2D (lysine methyltransferase 2D; minus strand). Cytogenetic location: 12q13.12.
Variant type: single nucleotide variant.
Coding change: c.13081G>A on transcript NM_003482.4 (MANE Select); coding-DNA position 13081, G replaced by A.
Protein change: p.Ala4361Thr; replaces alanine 4361 with threonine.
Molecular consequence: missense variant.
Genome position (GRCh38, 1-based): chr12:49,031,624, C>T on the plus strand (G>A on the coding strand, the complement: KMT2D is on the minus strand). VCF-style: chr12-49031624-C-T. GRCh37 (hg19) VCF-style: chr12-49425407-C-T.
Other names: short protein forms A4361T.
Identifiers: ClinVar variation 134720 (VCV000134720.1), dbSNP rs201938646, ClinGen allele CA160611.
Genomic context (GRCh38, chr12:49,031,624, plus strand): 5'-CTGGGGGATCCCAAGGTCCCAGACCCTTGCTAAACAAGGTATCTGCAAGCTGGGCAGCAG[C>T]AGGTGAGACCCTCCCAGGAGGCGGCTCCAAGGTTGGCCCCTGAGGTTTGGGGGTCCCTGG-3'
Protein context (NP_003473.3, residues 4351-4371): LEPPPGRVSP[Ala4361Thr]AAQLADTLFS

ClinVar aggregate classification (germline): not provided (0 of 4 stars; one submission).

Allele frequency attached by ClinVar (database versions not stated): gnomAD exomes below 0.00001.
gnomAD v4.1: 1 of 1,601,542 alleles (0.000062%); highest among the groups gnomAD compares: Middle Eastern, 0.017%; no homozygotes.

Submission:

ITMI
No classification provided. Condition: AllHighlyPenetrant. Last evaluated: 2013-09-19. Review status: no classification provided. Collection method: reference population. Allele origin: germline.
Comment: Please see associated publication for description of ethnicities

Literature cited by the submitters: PubMed 24728327.